The following is an entry in ClinVar:

NM_002730.4(PRKACA):c.47-332G>A

Gene: PRKACA (protein kinase cAMP-activated catalytic subunit alpha; minus strand). Cytogenetic location: 19p13.12.
Variant type: single nucleotide variant.
Coding change: c.47-332G>A on transcript NM_002730.4 (MANE Select); 332 bases into the intron before coding-DNA position 47, G replaced by A.
Molecular consequence: intron variant. On other transcripts: missense variant (1).
Genome position (GRCh38, 1-based): chr19:14,107,741, C>T on the plus strand (G>A on the coding strand, the complement: PRKACA is on the minus strand). VCF-style: chr19-14107741-C-T. GRCh37 (hg19) VCF-style: chr19-14218553-C-T.
Other names: c.244G>A, p.Gly82Ser (NM_001304349.2); c.23-332G>A (NM_207518.3); short protein forms G82S.
Identifiers: ClinVar variation 3044521 (VCV003044521.2), dbSNP rs41296254, ClinGen allele CA305615663.

ClinVar aggregate classification (germline): Benign (0 of 4 stars; one submission).

Conditions:
PRKACA-related disorder. Also called: PRKACA-related condition.

Allele frequency attached by ClinVar (database versions not stated): gnomAD exomes 0.00143; gnomAD 0.01592; TOPMed 0.01778; 1000 Genomes Project 0.02316; 1000 Genomes Project 30x 0.02358.
gnomAD v4.1: 3,820 of 1,082,702 alleles (0.35%); highest among the groups gnomAD compares: African/African-American, 5.7%; 102 homozygotes.

Submission:

PreventionGenetics, part of Exact Sciences
Classification: Benign for PRKACA-related condition. Last evaluated: 2019-09-25. Review status: no assertion criteria provided. Collection method: clinical testing. Allele origin: germline.
Comment: This variant is classified as benign based on ACMG/AMP sequence variant interpretation guidelines (Richards et al. 2015 PMID: 25741868, with internal and published modifications).